The following is an entry in ClinVar:

ClinVar aggregate classification (germline): Uncertain significance (1 of 4 stars; one submission).

Conditions:
Hereditary cancer-predisposing syndrome. Also called: Neoplastic Syndromes, Hereditary; Hereditary Cancer Syndrome; Hereditary neoplastic syndrome; Tumor predisposition. Identifiers: Orphanet 140162, MedGen C0027672, MeSH D009386, MONDO:0015356.

Submission:

Ambry Genetics
Classification: Uncertain significance for Hereditary cancer-predisposing syndrome. Last evaluated: 2023-05-24. Review status: criteria provided, single submitter. Criteria: Ambry Variant Classification Scheme 2023. Collection method: clinical testing. Allele origin: germline.
Comment: The p.N576Y variant (also known as c.1726A>T), located in coding exon 11 of the BRIP1 gene, results from an A to T substitution at nucleotide position 1726. The asparagine at codon 576 is replaced by tyrosine, an amino acid with dissimilar properties. This amino acid position is not well conserved in available vertebrate species. In addition, this alteration is predicted to be tolerated by in silico analysis. Since supporting evidence is limited at this time, the clinical significance of this alteration remains unclear.

NM_032043.3(BRIP1):c.1726A>T (p.Asn576Tyr)

Gene: BRIP1 (BRCA1 interacting DNA helicase 1; minus strand). Cytogenetic location: 17q23.2.
Variant type: single nucleotide variant.
Coding change: c.1726A>T on transcript NM_032043.3 (MANE Select); coding-DNA position 1726, A replaced by T.
Protein change: p.Asn576Tyr; replaces asparagine 576 with tyrosine.
Molecular consequence: missense variant.
Genome position (GRCh38, 1-based): chr17:61,780,908, T>A on the plus strand (A>T on the coding strand, the complement: BRIP1 is on the minus strand). VCF-style: chr17-61780908-T-A. GRCh37 (hg19) VCF-style: chr17-59858269-T-A.
Other names: short protein forms N576Y.
Identifiers: ClinVar variation 2564599 (VCV002564599.2), dbSNP rs2545028804, ClinGen allele CA400480379.